The following is an entry in ClinVar:

ClinVar aggregate classification (germline): Likely benign. Review status: criteria provided, multiple submitters, no conflicts (2 of 4 stars). 5 submissions from 5 submitters: Likely benign (5). Last evaluated 2025-10-19.

Conditions:
Cardiovascular phenotype. Identifiers: MedGen CN230736.
Autosomal recessive limb-girdle muscular dystrophy type 2J (LGMDR10). Also called: Limb-girdle muscular dystrophy, type 2J; MUSCULAR DYSTROPHY, LIMB-GIRDLE, AUTOSOMAL RECESSIVE 10. Identifiers: Orphanet 140922, MedGen C1837342, MONDO:0012127, OMIM 608807.
Dilated cardiomyopathy 1G (CMD1G). Identifiers: Orphanet 154, MedGen C1858763, MONDO:0011400, OMIM 604145.
TTN-related disorder. Also called: TTN-related disorders; TTN-related condition; TTN-related disease.

Allele frequency attached by ClinVar (database versions not stated): gnomAD 0.00001 and 0.00002; gnomAD exomes 0.00001 and 0.00002; ExAC 0.00002; TOPMed 0.00002.
gnomAD v4.1: 34 of 1,610,666 alleles (0.0021%); highest among the groups gnomAD compares: South Asian, 0.016%; no homozygotes.

Submissions (5):

Labcorp Genetics (formerly Invitae), Labcorp
Classification: Likely benign for Dilated cardiomyopathy 1G; Autosomal recessive limb-girdle muscular dystrophy type 2J. Last evaluated: 2025-10-19. Review status: criteria provided, single submitter. Criteria: Invitae Variant Classification Sherloc (09022015). Collection method: clinical testing. Allele origin: germline.

CeGaT Center for Human Genetics Tuebingen
Classification: Likely benign. Last evaluated: 2025-09-01. Review status: criteria provided, single submitter. Criteria: CeGaT Center For Human Genetics Tuebingen Variant Classification Criteria Version 2. Collection method: clinical testing. Allele origin: germline. Affected: yes. Observed: 1 variant allele.
Comment: TTN: BP4, BP7

PreventionGenetics, part of Exact Sciences
Classification: Likely benign for TTN-related condition. Last evaluated: 2025-05-27. Review status: criteria provided, single submitter. Criteria: ACMG Guidelines, 2015. Collection method: clinical testing. Allele origin: germline.
Comment: This variant is classified as likely benign based on ACMG/AMP sequence variant interpretation guidelines (Richards et al. 2015 PMID: 25741868, with internal and published modifications).

Ambry Genetics
Classification: Likely benign for Cardiovascular phenotype. Last evaluated: 2022-11-04. Review status: criteria provided, single submitter. Criteria: Ambry Variant Classification Scheme 2023. Collection method: clinical testing. Allele origin: germline.

GeneDx
Classification: Likely benign. Last evaluated: 2018-04-19. Review status: criteria provided, single submitter. Criteria: GeneDx Variant Classification (06012015). Collection method: clinical testing. Allele origin: germline. Affected: yes.
Comment: This variant is considered likely benign or benign based on one or more of the following criteria: it is a conservative change, it occurs at a poorly conserved position in the protein, it is predicted to be benign by multiple in silico algorithms, and/or has population frequency not consistent with disease.

NM_001267550.2(TTN):c.66795G>A (p.Ala22265=)

Genes: TTN (titin; minus strand), TTN-AS1 (TTN antisense RNA 1; plus strand). Cytogenetic location: 2q31.2.
Variant type: single nucleotide variant.
Coding change: c.66795G>A on transcript NM_001267550.2 (MANE Select); coding-DNA position 66795, G replaced by A.
Protein change: p.Ala22265=; no amino-acid change (alanine 22265 retained).
Molecular consequence: synonymous variant.
Genome position (GRCh38, 1-based): chr2:178,580,584, C>T on the plus strand (G>A on the coding strand, the complement: TTN is on the minus strand). VCF-style: chr2-178580584-C-T. GRCh37 (hg19) VCF-style: chr2-179445311-C-T.
Other names: c.61872G>A, p.Ala20624= (NM_001256850.1); c.39600G>A, p.Ala13200= (NM_003319.4); c.59091G>A, p.Ala19697= (NM_133378.4); c.39975G>A, p.Ala13325= (NM_133432.3); c.40176G>A, p.Ala13392= (NM_133437.4).
Identifiers: ClinVar variation 682279 (VCV000682279.19), dbSNP rs765777105, ClinGen allele CA1991427.